The following is an entry in ClinVar:

NM_000540.3(RYR1):c.6887A>G (p.Glu2296Gly)

Gene: RYR1 (ryanodine receptor 1; plus strand). Cytogenetic location: 19q13.2.
Variant type: single nucleotide variant.
Coding change: c.6887A>G on transcript NM_000540.3 (MANE Select); coding-DNA position 6887, A replaced by G.
Protein change: p.Glu2296Gly; replaces glutamic acid 2296 with glycine.
Molecular consequence: missense variant.
Genome position (GRCh38, 1-based): chr19:38,496,950, A>G. VCF-style: chr19-38496950-A-G. GRCh37 (hg19) VCF-style: chr19-38987590-A-G.
Other names: c.6887A>G, p.Glu2296Gly (NM_001042723.2); short protein forms E2296G.
Identifiers: ClinVar variation 3069944 (VCV003069944.1), dbSNP rs1287124141, ClinGen allele CA405666661.

ClinVar aggregate classification (germline): Uncertain significance (1 of 4 stars; one submission).

Conditions:
Malignant hyperthermia, susceptibility to, 1 (MHS1). Also called: RYR1-Related Malignant Hyperthermia Susceptibility; Anesthesia related hyperthermia; Malignant hyperpyrexia; Fulminating hyperpyrexia; Pharmacogenic myopathy; Malignant hyperthermia suceptibility 1. Identifiers: Orphanet 423, MedGen C2930980, MONDO:0007783, OMIM 145600.

Allele frequency attached by ClinVar (database versions not stated): TOPMed below 0.00001; gnomAD 0.00001; gnomAD exomes 0.00001.
gnomAD v4.1: 11 of 1,612,338 alleles (0.00068%); highest among the groups gnomAD compares: Non-Finnish European, 0.00093%; no homozygotes.

Submission:

All of Us Research Program, National Institutes of Health
Classification: Uncertain significance for Malignant hyperthermia, susceptibility to, 1. Last evaluated: 2023-03-28. Review status: criteria provided, single submitter. Criteria: ACMG Guidelines, 2015. Collection method: clinical testing. Allele origin: germline. Inheritance: Autosomal dominant inheritance. Observed: 1 variant allele, 1 heterozygote.
Comment: This study involves interpretation of variants in research participants for the purpose of population health screening. Participant phenotype was not available at the time of variant classification. Additional details can be found in publication PMID: 35346344, PMCID: PMC8962531